The following is an entry in ClinVar:

NM_001289808.2(CRYAB):c.324+5G>T

Gene: CRYAB (crystallin alpha B; minus strand). Cytogenetic location: 11q23.1.
Variant type: single nucleotide variant.
Coding change: c.324+5G>T on transcript NM_001289808.2 (MANE Select); 5 bases into the intron after coding-DNA position 324, G replaced by T.
Molecular consequence: intron variant.
Genome position (GRCh38, 1-based): chr11:111,910,322, C>A on the plus strand (G>T on the coding strand, the complement: CRYAB is on the minus strand). VCF-style: chr11-111910322-C-A. GRCh37 (hg19) VCF-style: chr11-111781046-C-A.
Other names: c.324+5G>T (NM_001368245.1, NM_001885.3, NM_001289807.1); c.123+5G>T (NM_001368246.1, NM_001330379.1).
Identifiers: ClinVar variation 2144334 (VCV002144334.5), dbSNP rs782691208, ClinGen allele CA6275521.

ClinVar aggregate classification (germline): Uncertain significance. Review status: criteria provided, multiple submitters, no conflicts (2 of 4 stars). 2 submissions from 2 submitters: Uncertain significance (2). Last evaluated 2022-12-23.

Conditions:
Dilated cardiomyopathy 1II (CMD1II). Identifiers: Orphanet 154, MedGen C3554649, MONDO:0014073, OMIM 615184.

Allele frequency attached by ClinVar (database versions not stated): ExAC 0.00001.
gnomAD v4.1: 18 of 1,614,196 alleles (0.0011%); highest among the groups gnomAD compares: Admixed American, 0.0017%; no homozygotes.

Submissions (2):

Blueprint Genetics
Classification: Uncertain significance. Last evaluated: 2022-12-23. Review status: criteria provided, single submitter. Criteria: ACMG Guidelines, 2015. Collection method: clinical testing. Allele origin: germline.

Labcorp Genetics (formerly Invitae), Labcorp
Classification: Uncertain significance for Dilated cardiomyopathy 1II. Last evaluated: 2022-07-17. Review status: criteria provided, single submitter. Criteria: Invitae Variant Classification Sherloc (09022015). Collection method: clinical testing. Allele origin: germline.
Comment: This sequence change falls in intron 3 of the CRYAB gene. It does not directly change the encoded amino acid sequence of the CRYAB protein. It affects a nucleotide within the consensus splice site. This variant is present in population databases (rs782691208, gnomAD 0.003%). This variant has not been reported in the literature in individuals affected with CRYAB-related conditions. Variants that disrupt the consensus splice site are a relatively common cause of aberrant splicing (PMID: 17576681, 9536098). Algorithms developed to predict the effect of sequence changes on RNA splicing suggest that this variant is not likely to affect RNA splicing. In summary, the available evidence is currently insufficient to determine the role of this variant in disease. Therefore, it has been classified as a Variant of Uncertain Significance.

Literature cited by the submitters: PubMed 17576681 (cited by Labcorp Genetics (formerly Invitae), Labcorp); PubMed 9536098 (cited by Labcorp Genetics (formerly Invitae), Labcorp).